The following is an entry in ClinVar:

ClinVar aggregate classification (germline): Uncertain significance (1 of 4 stars; one submission).

Conditions:
Congenital myasthenic syndrome 8. Also called: MYASTHENIC SYNDROME, CONGENITAL, DUE TO AGRIN DEFICIENCY; Myasthenic syndrome, congenital, 8, with pre- and postsynaptic defects. Identifiers: Orphanet 590, MedGen C3808739, MONDO:0014052, OMIM 615120.

Allele frequency attached by ClinVar (database versions not stated): ExAC 0.00003; gnomAD exomes 0.00002.
gnomAD v4.1: 5 of 1,611,682 alleles (0.00031%); highest among the groups gnomAD compares: African/African-American, 0.0013%; no homozygotes.

Submission:

Labcorp Genetics (formerly Invitae), Labcorp
Classification: Uncertain significance for Congenital myasthenic syndrome 8. Last evaluated: 2022-03-18. Review status: criteria provided, single submitter. Criteria: Invitae Variant Classification Sherloc (09022015). Collection method: clinical testing. Allele origin: germline.
Comment: This sequence change replaces cysteine, which is neutral and slightly polar, with tyrosine, which is neutral and polar, at codon 789 of the AGRN protein (p.Cys789Tyr). This variant is present in population databases (rs760257579, gnomAD 0.004%). This variant has not been reported in the literature in individuals affected with AGRN-related conditions. Algorithms developed to predict the effect of missense changes on protein structure and function are either unavailable or do not agree on the potential impact of this missense change (SIFT: "Deleterious"; PolyPhen-2: "Benign"; Align-GVGD: "Class C0"). In summary, the available evidence is currently insufficient to determine the role of this variant in disease. Therefore, it has been classified as a Variant of Uncertain Significance.

NM_198576.4(AGRN):c.2366G>A (p.Cys789Tyr)

Gene: AGRN (agrin; plus strand). Cytogenetic location: 1p36.33.
Variant type: single nucleotide variant.
Coding change: c.2366G>A on transcript NM_198576.4 (MANE Select); coding-DNA position 2366, G replaced by A.
Protein change: p.Cys789Tyr; replaces cysteine 789 with tyrosine.
Molecular consequence: missense variant.
Genome position (GRCh38, 1-based): chr1:1,045,272, G>A. VCF-style: chr1-1045272-G-A. GRCh37 (hg19) VCF-style: chr1-980652-G-A.
Other names: c.2366G>A, p.Cys789Tyr (NM_001305275.2); c.2051G>A, p.Cys684Tyr (NM_001364727.2); short protein forms C789Y, C684Y.
Identifiers: ClinVar variation 1462158 (VCV001462158.5), dbSNP rs760257579, ClinGen allele CA508588.